The following is an entry in ClinVar:

ClinVar aggregate classification (germline): Conflicting classifications of pathogenicity. Review status: criteria provided, conflicting classifications (1 of 4 stars). 4 submissions from 4 submitters: Uncertain significance (1); Benign (1); Likely benign (2). Last evaluated 2026-01-18.

Conditions:
Seckel syndrome 1 (SCKL1). Also called: MICROCEPHALIC PRIMORDIAL DWARFISM I. Identifiers: Orphanet 808, MedGen C4551474, MONDO:0008869, OMIM 210600.

Allele frequency attached by ClinVar (database versions not stated): TOPMed 0.00011; gnomAD 0.00013 and 0.00017; ExAC 0.00023; gnomAD exomes 0.00026; 1000 Genomes Project 30x 0.00109; 1000 Genomes Project 0.00120.
gnomAD v4.1: 104 of 1,609,378 alleles (0.0065%); highest among the groups gnomAD compares: East Asian, 0.21%; no homozygotes.

Submissions (4):

Labcorp Genetics (formerly Invitae), Labcorp
Classification: Benign. Last evaluated: 2026-01-18. Review status: criteria provided, single submitter. Criteria: Invitae Variant Classification Sherloc (09022015). Collection method: clinical testing. Allele origin: germline.

CeGaT Center for Human Genetics Tuebingen
Classification: Likely benign. Last evaluated: 2025-10-01. Review status: criteria provided, single submitter. Criteria: CeGaT Center For Human Genetics Tuebingen Variant Classification Criteria Version 2. Collection method: clinical testing. Allele origin: germline. Affected: yes. Observed: 2 variant alleles.
Comment: ATR: BP4

Blueprint Genetics
Classification: Likely benign. Last evaluated: 2024-04-29. Review status: criteria provided, single submitter. Criteria: ACMG Guidelines, 2015. Collection method: clinical testing. Allele origin: germline.

Illumina Laboratory Services, Illumina
Classification: Uncertain significance for Seckel syndrome 1. Last evaluated: 2018-01-12. Review status: criteria provided, single submitter. Criteria: ICSL Variant Classification Criteria 13 December 2019. Collection method: clinical testing. Allele origin: germline.

NM_001184.4(ATR):c.1885+7G>A

Gene: ATR (ATR checkpoint kinase; minus strand). Cytogenetic location: 3q23.
Variant type: single nucleotide variant.
Coding change: c.1885+7G>A on transcript NM_001184.4 (MANE Select); 7 bases into the intron after coding-DNA position 1885, G replaced by A.
Molecular consequence: intron variant.
Genome position (GRCh38, 1-based): chr3:142,558,617, C>T on the plus strand (G>A on the coding strand, the complement: ATR is on the minus strand). VCF-style: chr3-142558617-C-T. GRCh37 (hg19) VCF-style: chr3-142277459-C-T.
Other names: c.1693+7G>A (NM_001354579.2).
Identifiers: ClinVar variation 343617 (VCV000343617.40), dbSNP rs74282951, ClinGen allele CA2650497.